The following is an entry in ClinVar:

NM_014669.5(NUP93):c.1687_1692delinsACT (p.Glu563_Asn564delinsThr)

Gene: NUP93 (nucleoporin 93; plus strand). Cytogenetic location: 16q13.
Variant type: Indel.
Coding change: c.1687_1692delinsACT on transcript NM_014669.5 (MANE Select); coding-DNA positions 1687 to 1692, GAAAAC replaced by ACT.
Protein change: p.Glu563_Asn564delinsThr.
Molecular consequence: inframe indel.
Genome position (GRCh38, 1-based): chr16:56,834,392-56,834,397, GAAAAC replaced by ACT. VCF-style: chr16-56834392-GAAAAC-ACT. GRCh37 (hg19) VCF-style: chr16-56868304-GAAAAC-ACT.
Other names: c.1318_1323delinsACT, p.Glu440_Asn441delinsThr (NM_001242795.2, NM_001242796.2).
Identifiers: ClinVar variation 3345831 (VCV003345831.1).

ClinVar aggregate classification (germline): Uncertain significance (0 of 4 stars; one submission).

Conditions:
NUP93-related disorder. Also called: NUP93-related condition.

Submission:

PreventionGenetics, part of Exact Sciences
Classification: Uncertain significance for NUP93-related condition. Last evaluated: 2024-09-18. Review status: no assertion criteria provided. Collection method: clinical testing. Allele origin: germline.
Comment: The NUP93 c.1687_1692delinsACT variant is predicted to result in an in-frame deletion and insertion. To our knowledge, this variant has not been reported in the literature or in a large population database, indicating this variant is rare. At this time, the clinical significance of this variant is uncertain due to the absence of conclusive functional and genetic evidence.